The following is an entry in ClinVar:

ClinVar aggregate classification (germline): Pathogenic (1 of 4 stars; one submission).

Conditions:
Mucopolysaccharidosis type 7 (MPS7). Also called: MPS VII; BETA-GLUCURONIDASE DEFICIENCY; GUSB DEFICIENCY; SLY SYNDROME. Identifiers: Orphanet 584, MedGen C0085132, MONDO:0009662, OMIM 253220.

Submission:

Women's Health and Genetics/Laboratory Corporation of America, LabCorp
Classification: Pathogenic for Mucopolysaccharidosis type 7. Last evaluated: 2025-09-26. Review status: criteria provided, single submitter. Criteria: LabCorp Variant Classification Summary - May 2015. Collection method: clinical testing. Allele origin: germline.
Comment: Variant summary: GUSB c.1876T>C (p.Tyr626His) results in a conservative amino acid change in the encoded protein sequence. Algorithms developed to predict the effect of missense changes on protein structure and function are either unavailable or do not agree on the potential impact of this missense change. The variant allele was found at a frequency of 4e-06 in 251492 control chromosomes. c.1876T>C has been observed in the compound heterozygous state in two individuals from the same family affected with Mucopolysaccharidosis Type VII (Sly Syndrome) where it segregated with disease (Vervoort_1997). These data indicate that the variant may be associated with disease. At least one publication reports experimental evidence evaluating an impact on protein function. The most pronounced variant effect results in <10% of normal activity in a COS7 cell line in vitro (Vervoort_1997). The following publication has been ascertained in the context of this evaluation (PMID: 9490302). No submitters have cited clinical-significance assessments for this variant to ClinVar. Based on the evidence outlined above, the variant was classified as pathogenic.

Literature cited by the submitters: PubMed 9490302.

NM_000181.4(GUSB):c.1876T>C (p.Tyr626His)

Gene: GUSB (glucuronidase beta; minus strand). Cytogenetic location: 7q11.21.
Variant type: single nucleotide variant.
Coding change: c.1876T>C on transcript NM_000181.4 (MANE Select); coding-DNA position 1876, T replaced by C.
Protein change: p.Tyr626His; replaces tyrosine 626 with histidine.
Molecular consequence: missense variant. On other transcripts: non-coding transcript variant (1).
Genome position (GRCh38, 1-based): chr7:65,960,977, A>G on the plus strand (T>C on the coding strand, the complement: GUSB is on the minus strand). VCF-style: chr7-65960977-A-G. GRCh37 (hg19) VCF-style: chr7-65425964-A-G.
Other names: c.1438T>C, p.Tyr480His (NM_001284290.2); c.1306T>C, p.Tyr436His (NM_001293104.2); c.1219T>C, p.Tyr407His (NM_001293105.2); short protein forms Y407H, Y436H, Y480H, Y626H.
Identifiers: ClinVar variation 4535952 (VCV004535952.1).